The following is an entry in ClinVar:

NM_017534.6(MYH2):c.87T>C (p.Asn29=)

Genes: MYH2 (myosin heavy chain 2; minus strand), MYHAS (myosin heavy chain gene cluster antisense RNA; plus strand). Cytogenetic location: 17p13.1.
Variant type: single nucleotide variant.
Coding change: c.87T>C on transcript NM_017534.6 (MANE Select); coding-DNA position 87, T replaced by C.
Protein change: p.Asn29=; no amino-acid change (asparagine 29 retained).
Molecular consequence: synonymous variant.
Genome position (GRCh38, 1-based): chr17:10,547,834, A>G on the plus strand (T>C on the coding strand, the complement: MYH2 is on the minus strand). VCF-style: chr17-10547834-A-G. GRCh37 (hg19) VCF-style: chr17-10451151-A-G.
Other names: c.87T>C, p.Asn29= (NM_001100112.2).
Identifiers: ClinVar variation 321700 (VCV000321700.16), dbSNP rs148217318, ClinGen allele CA8391735.

ClinVar aggregate classification (germline): Likely benign. Review status: criteria provided, multiple submitters, no conflicts (2 of 4 stars). 3 submissions from 3 submitters: Likely benign (3). Last evaluated 2025-10-06.

Conditions:
Myopathy, proximal, and ophthalmoplegia (CMYO6). Also called: INCLUSION BODY MYOPATHY 3, AUTOSOMAL DOMINANT; CONGENITAL MYOPATHY 6 WITH OPHTHALMOPLEGIA; MYOPATHY WITH CONGENITAL JOINT CONTRACTURES, OPHTHALMOPLEGIA, AND RIMMED VACUOLES. Identifiers: Orphanet 363677, Orphanet 79091, MedGen C1854106, MONDO:0011577, OMIM 605637.

Allele frequency attached by ClinVar (database versions not stated): gnomAD exomes 0.00015; ExAC 0.00020; gnomAD 0.00048 and 0.00050; ESP Exome Variant Server 0.00054; TOPMed 0.00059.
gnomAD v4.1: 140 of 1,614,194 alleles (0.0087%); highest among the groups gnomAD compares: African/African-American, 0.16%; no homozygotes.

Submissions (3):

Labcorp Genetics (formerly Invitae), Labcorp
Classification: Likely benign for Myopathy, proximal, and ophthalmoplegia. Last evaluated: 2025-10-06. Review status: criteria provided, single submitter. Criteria: Invitae Variant Classification Sherloc (09022015). Collection method: clinical testing. Allele origin: germline.

Blueprint Genetics
Classification: Likely benign. Last evaluated: 2023-10-04. Review status: criteria provided, single submitter. Criteria: ACMG Guidelines, 2015. Collection method: clinical testing. Allele origin: germline.

GeneDx
Classification: Likely benign. Last evaluated: 2019-11-27. Review status: criteria provided, single submitter. Criteria: GeneDx Variant Classification Process June 2021. Collection method: clinical testing. Allele origin: germline. Affected: yes.
Comment: See Variant Classification Assertion Criteria.